The following is an entry in ClinVar:

ClinVar aggregate classification (germline): Uncertain significance (1 of 4 stars; one submission).

Submission:

Labcorp Genetics (formerly Invitae), Labcorp
Classification: Uncertain significance. Last evaluated: 2021-10-14. Review status: criteria provided, single submitter. Criteria: Invitae Variant Classification Sherloc (09022015). Collection method: clinical testing. Allele origin: germline.
Comment: This sequence change replaces lysine with asparagine at codon 504 of the MTHFD1 protein (p.Lys504Asn). The lysine residue is highly conserved and there is a moderate physicochemical difference between lysine and asparagine. This variant is not present in population databases (ExAC no frequency). This variant has not been reported in the literature in individuals affected with MTHFD1-related conditions. Algorithms developed to predict the effect of missense changes on protein structure and function are either unavailable or do not agree on the potential impact of this missense change (SIFT: "Deleterious"; PolyPhen-2: "Probably Damaging"; Align-GVGD: "Class C0"). In summary, the available evidence is currently insufficient to determine the role of this variant in disease. Therefore, it has been classified as a Variant of Uncertain Significance.

NM_005956.4(MTHFD1):c.1512G>C (p.Lys504Asn)

Gene: MTHFD1 (methylenetetrahydrofolate dehydrogenase, cyclohydrolase and formyltetrahydrofolate synthetase 1; plus strand). Cytogenetic location: 14q23.3.
Variant type: single nucleotide variant.
Coding change: c.1512G>C on transcript NM_005956.4 (MANE Select); coding-DNA position 1512, G replaced by C.
Protein change: p.Lys504Asn; replaces lysine 504 with asparagine.
Molecular consequence: missense variant.
Genome position (GRCh38, 1-based): chr14:64,435,586, G>C. VCF-style: chr14-64435586-G-C. GRCh37 (hg19) VCF-style: chr14-64902304-G-C.
Other names: c.1512G>C, p.Lys504Asn (NM_001364837.1); short protein forms K504N.
Identifiers: ClinVar variation 1521387 (VCV001521387.1), dbSNP rs2140971196, ClinGen allele CA389993370.